The following is an entry in ClinVar:

ClinVar aggregate classification (germline): Uncertain significance (1 of 4 stars; one submission).

Conditions:
JAG1-related disorder. Also called: JAG1-related condition; JAG1-related disorders.

Submission:

PreventionGenetics, part of Exact Sciences
Classification: Uncertain significance for JAG1-related condition. Last evaluated: 2026-01-26. Review status: criteria provided, single submitter. Criteria: ACMG Guidelines, 2015. Collection method: clinical testing. Allele origin: germline.
Comment: The JAG1 c.2573-12_2573-3del10 variant is predicted to result in an intronic deletion. This variant is predicted to alter splicing based on available splicing prediction software (SpliceAI, Jaganathan et al. 2019. PubMed ID: 30661751). However, the use of computer prediction softwares is not equivalent to functional evidence. To our knowledge, this variant has not been reported in the literature or in a large population database (gnomAD), indicating this variant is rare. At this time, the clinical significance of this variant is uncertain due to the absence of conclusive functional and genetic evidence.

NM_000214.3(JAG1):c.2573-12_2573-3del

Gene: JAG1 (jagged canonical Notch ligand 1; minus strand). Cytogenetic location: 20p12.2.
Variant type: Deletion.
Coding change: c.2573-12_2573-3del on transcript NM_000214.3 (MANE Select); 12 bases into the intron before coding-DNA position 2573 through 3 bases into the intron before coding-DNA position 2573, 10 bases deleted (TCCACCTGTC; older notation c.2573-12_2573-3delTCCACCTGTC).
Molecular consequence: intron variant.
Genome position (GRCh38, 1-based): chr20:10,641,895-10,641,904, GACAGGTGGA deleted on the plus strand (TCCACCTGTC on the coding strand, the reverse complement: JAG1 is on the minus strand); deleting any 10 consecutive bases within chr20:10,641,895-10,641,907 gives the same sequence; the c. name uses the placement nearest the transcript's 3' end. VCF-style (leftmost placement, unchanged base first): chr20-10641894-TGACAGGTGGA-T. GRCh37 (hg19) VCF-style: chr20-10622542-TGACAGGTGGA-T.
Identifiers: ClinVar variation 4993137 (VCV004993137.1).